The following is an entry in ClinVar:

ClinVar aggregate classification (germline): Uncertain significance. Review status: criteria provided, multiple submitters, no conflicts (2 of 4 stars). 3 submissions from 3 submitters: Uncertain significance (3). Last evaluated 2026-08-05.

Conditions:
Inborn genetic diseases. Identifiers: MedGen C0950123, MeSH D030342.
HARS2-related disorder. Also called: HARS2-related condition.

Allele frequency attached by ClinVar (database versions not stated): gnomAD 0.00001; TOPMed 0.00007; ExAC 0.00012.
gnomAD v4.1: 38 of 1,613,766 alleles (0.0024%); highest among the groups gnomAD compares: Admixed American, 0.062%; no homozygotes.

Submissions (3):

PreventionGenetics, part of Exact Sciences
Classification: Uncertain significance for HARS2-related condition. Last evaluated: 2026-08-05. Review status: criteria provided, single submitter. Criteria: ACMG Guidelines, 2015. Collection method: clinical testing. Allele origin: germline.
Comment: The HARS2 c.1340C>T variant is predicted to result in the amino acid substitution p.Pro447Leu. To our knowledge, this variant has not been reported in the literature. This variant is reported in 0.087% of alleles in individuals of Latino descent in gnomAD. Although we suspect that this variant may be benign, at this time, the clinical significance of this variant is uncertain due to the absence of conclusive functional and genetic evidence.

Ambry Genetics
Classification: Uncertain significance for Inborn genetic diseases. Last evaluated: 2025-03-21. Review status: criteria provided, single submitter. Criteria: Ambry Variant Classification Scheme 2023. Collection method: clinical testing. Allele origin: germline.

GeneDx
Classification: Uncertain significance. Last evaluated: 2024-10-30. Review status: criteria provided, single submitter. Criteria: GeneDx Variant Classification Process June 2021. Collection method: clinical testing. Allele origin: germline. Affected: yes.
Comment: In silico analysis supports that this missense variant has a deleterious effect on protein structure/function; Has not been previously published as pathogenic or benign to our knowledge

NM_012208.4(HARS2):c.1340C>T (p.Pro447Leu)

Gene: HARS2 (histidyl-tRNA synthetase 2, mitochondrial; plus strand). Cytogenetic location: 5q31.3.
Variant type: single nucleotide variant.
Coding change: c.1340C>T on transcript NM_012208.4 (MANE Select); coding-DNA position 1340, C replaced by T.
Protein change: p.Pro447Leu; replaces proline 447 with leucine.
Molecular consequence: missense variant.
Genome position (GRCh38, 1-based): chr5:140,697,957, C>T. VCF-style: chr5-140697957-C-T. GRCh37 (hg19) VCF-style: chr5-140077542-C-T.
Other names: c.908C>T, p.Pro303Leu (NM_001278732.2); c.1358C>T, p.Pro453Leu (NM_001363535.2); c.1130C>T, p.Pro377Leu (NM_001363536.2); c.1265C>T, p.Pro422Leu (NM_001278731.2); c.1340C>T (NM_012208.3); short protein forms P303L, P377L, P422L, P447L, P453L.
Identifiers: ClinVar variation 2505878 (VCV002505878.4), dbSNP rs753513318, ClinGen allele CA3444689.